The following is an entry in ClinVar:

NM_002156.5(HSPD1):c.898G>A (p.Val300Ile)

Gene: HSPD1 (heat shock protein family D (Hsp60) member 1; minus strand). Cytogenetic location: 2q33.1.
Variant type: single nucleotide variant.
Coding change: c.898G>A on transcript NM_002156.5 (MANE Select); coding-DNA position 898, G replaced by A.
Protein change: p.Val300Ile; replaces valine 300 with isoleucine.
Molecular consequence: missense variant.
Genome position (GRCh38, 1-based): chr2:197,490,268, C>T on the plus strand (G>A on the coding strand, the complement: HSPD1 is on the minus strand). VCF-style: chr2-197490268-C-T. GRCh37 (hg19) VCF-style: chr2-198354992-C-T.
Other names: c.898G>A, p.Val300Ile (NM_199440.2); short protein forms V300I.
Identifiers: ClinVar variation 4701892 (VCV004701892.1).
Genomic context (GRCh38, chr2:197,490,268, plus strand): 5'-TAGCAATAGCCATATCTTTAAGCTGGTTCTTTCTATTGTCACCAAACCCTGGAGCCTTGA[C>T]TGCCACAACCTGAAGACCAACCTTTAGCCTGTTAAGAATAGTTGATAGTAAGATTTAAAT-3'
Protein context (NP_002147.2, residues 290-310): RLKVGLQVVA[Val300Ile]KAPGFGDNRK

ClinVar aggregate classification (germline): Uncertain significance (1 of 4 stars; one submission).

Conditions:
Spastic paraplegia. Identifiers: MedGen C0037772, HP:0001258.

gnomAD v4.1: 1 of 1,613,944 alleles (0.000062%); highest among the groups gnomAD compares: Non-Finnish European, 0.000085%; no homozygotes.

Submission:

Labcorp Genetics (formerly Invitae), Labcorp
Classification: Uncertain significance for Spastic paraplegia. Last evaluated: 2025-04-02. Review status: criteria provided, single submitter. Criteria: Invitae Variant Classification Sherloc (09022015). Collection method: clinical testing. Allele origin: germline.
Comment: This sequence change replaces valine, which is neutral and non-polar, with isoleucine, which is neutral and non-polar, at codon 300 of the HSPD1 protein (p.Val300Ile). This variant is not present in population databases (gnomAD no frequency). This variant has not been reported in the literature in individuals affected with HSPD1-related conditions. Invitae Evidence Modeling of protein sequence and biophysical properties (such as structural, functional, and spatial information, amino acid conservation, physicochemical variation, residue mobility, and thermodynamic stability) indicates that this missense variant is not expected to disrupt HSPD1 protein function with a negative predictive value of 80%. In summary, the available evidence is currently insufficient to determine the role of this variant in disease. Therefore, it has been classified as a Variant of Uncertain Significance.